The following is an entry in ClinVar:

ClinVar aggregate classification (germline): Likely pathogenic (1 of 4 stars; one submission).

Conditions:
Polycystic kidney disease 4 (PKD4). Also called: POLYCYSTIC KIDNEY AND HEPATIC DISEASE 1; POLYCYSTIC KIDNEY DISEASE, INFANTILE, TYPE I; POLYCYSTIC KIDNEY DISEASE 4 WITH OR WITHOUT POLYCYSTIC LIVER DISEASE; PKD3; Autosomal Recessive Polycystic Kidney Disease – PKHD1. Identifiers: MedGen C4540575, MONDO:0033004, OMIM 263200.

Submission:

Myriad Genetics, Inc.
Classification: Likely pathogenic for Polycystic kidney disease 4. Last evaluated: 2021-12-16. Review status: criteria provided, single submitter. Criteria: Myriad Women's Health Autosomal Recessive and X-Linked Classification Criteria (2021). Collection method: clinical testing. Allele origin: unknown.
Comment: NM_138694.3(PKHD1):c.7608_7609ins10(S2537Dfs*50) is expected to be pathogenic in the context of autosomal recessive polycystic kidney disease, PKHD1-related. This variant is predicted to lead to an abnormal or absent protein product due to the creation of a premature termination codon in PKHD1, a gene where loss-of-function variants are known to be pathogenic. Please note: this variant was assessed in the context of healthy population screening.

NM_138694.4(PKHD1):c.7608_7609insGACCCATCCA (p.Ser2537fs)

Gene: PKHD1 (PKHD1 ciliary IPT domain containing fibrocystin/polyductin; minus strand). Cytogenetic location: 6p12.2.
Variant type: Insertion.
Coding change: c.7608_7609insGACCCATCCA on transcript NM_138694.4 (MANE Select); coding-DNA positions 7608 to 7609, GACCCATCCA inserted.
Protein change: p.Ser2537fs; shifts the reading frame from serine 2537.
Molecular consequence: frameshift variant.
Genome position: GRCh38 VCF-style: chr6-51867987-T-TTGGATGGGTC. GRCh37 (hg19) VCF-style: chr6-51732785-T-TTGGATGGGTC.
Other names: c.7608_7609insGACCCATCCA, p.Ser2537fs (NM_170724.3); short protein forms S2537fs.
Identifiers: ClinVar variation 1726338 (VCV001726338.2), dbSNP rs2535976216, ClinGen allele CA2580075477.